The following is an entry in ClinVar:

ClinVar aggregate classification (germline): Pathogenic/Likely pathogenic. Review status: criteria provided, multiple submitters, no conflicts (2 of 4 stars). 7 submissions from 7 submitters: Pathogenic (5); Likely pathogenic (2). Last evaluated 2025-09-05.

Conditions:
GLDC-related disorders.
Glycine encephalopathy 1 (GCE1). Identifiers: MedGen CN376801, MONDO:0958179, OMIM 605899.
Glycine encephalopathy. Also called: Non-ketotic hyperglycinemia; Nonketotic hyperglycinemia. Identifiers: Orphanet 407, MedGen C0751748, MONDO:0011612, HP:0008288.

Allele frequency attached by ClinVar (database versions not stated): gnomAD exomes 0.00001 and 0.00002; ExAC 0.00002.
gnomAD v4.1: 8 of 1,613,882 alleles (0.0005%); highest among the groups gnomAD compares: Admixed American, 0.0033%; no homozygotes.

Submissions (7):

Natera, Inc.
Classification: Pathogenic for Non-ketotic hyperglycinemia. Last evaluated: 2025-09-05. Review status: criteria provided, single submitter. Criteria: Natera Variant Classification Schema (03/2026). Collection method: clinical testing. Allele origin: germline.
Comment: The c.1742C>G variant in GLDC is a missense variant predicted to cause substitution of proline to arginine at amino acid 581. This variant is rare in the general population with a frequency below the threshold expected for the associated phenotype(s). This variant has been observed in one or more individuals affected with the associated recessive disease, as either homozygous or compound heterozygous with a second variant (PMID: 28244183). Functional studies show that this variant may disrupt protein function (PMID: 28244183). Given the available evidence, this variant is classified as Pathogenic.

Dasa
Classification: Likely pathogenic. Last evaluated: 2025-07-21. Review status: criteria provided, single submitter. Criteria: DASA Assertion Criteria. Collection method: clinical testing. Allele origin: germline.
Comment: NM_000170.3(GLDC):c.1742C>G (p.Pro581Arg) is a missense variant that results in the substitution of proline with arginine. This variant has been recurrently observed in individuals with GLDC-related disorders (PMID: 32421718; PMID: 28244183). Functional evidence supports an impact on the gene or gene product (PMID: 32421718; PMID: 28244183). Also, this variant is rare in population databases. Computational evidence supports a deleterious effect. Based on the currently available evidence, this variant is classified as likely pathogenic.

Labcorp Genetics (formerly Invitae), Labcorp
Classification: Pathogenic for Glycine encephalopathy. Last evaluated: 2024-04-15. Review status: criteria provided, single submitter. Criteria: Invitae Variant Classification Sherloc (09022015). Collection method: clinical testing. Allele origin: germline.
Comment: This sequence change replaces proline, which is neutral and non-polar, with arginine, which is basic and polar, at codon 581 of the GLDC protein (p.Pro581Arg). This variant is present in population databases (rs772871471, gnomAD 0.003%). This missense change has been observed in individual(s) with non-ketotic hyperglycinemia (PMID: 22206881, 28244183). In at least one individual the data is consistent with being in trans (on the opposite chromosome) from a pathogenic variant. ClinVar contains an entry for this variant (Variation ID: 216936). Advanced modeling of protein sequence and biophysical properties (such as structural, functional, and spatial information, amino acid conservation, physicochemical variation, residue mobility, and thermodynamic stability) performed at Invitae indicates that this missense variant is expected to disrupt GLDC protein function with a positive predictive value of 80%. Experimental studies have shown that this missense change affects GLDC function (PMID: 28244183). For these reasons, this variant has been classified as Pathogenic.

Women's Health and Genetics/Laboratory Corporation of America, LabCorp
Classification: Pathogenic for Glycine encephalopathy. Last evaluated: 2023-08-30. Review status: criteria provided, single submitter. Criteria: LabCorp Variant Classification Summary - May 2015. Collection method: clinical testing. Allele origin: germline.
Comment: Variant summary: GLDC c.1742C>G (p.Pro581Arg) results in a non-conservative amino acid change in the encoded protein sequence. Five of five in-silico tools predict a damaging effect of the variant on protein function. The variant allele was found at a frequency of 1.6e-05 in 251466 control chromosomes. c.1742C>G has been reported in the literature in individuals affected with Glycine Encephalopathy (Non-Ketotic Hyperglycinemia) (e.g. Bravo-Alonso_2017, Coughlin_2017, Lee_2014). These data indicate that the variant is likely to be associated with disease. At least one publication reports experimental evidence evaluating an impact on protein function demonstrating undetectable glycine cleavage system P-protein activity (Bravo-Alonso_2017). The following publications have been ascertained in the context of this evaluation (PMID: 28244183, 27362913, 25326637). Two submitters have cited clinical-significance assessments for this variant to ClinVar after 2014. All submitters classified the variant as pathogenic. Based on the evidence outlined above, the variant was classified as pathogenic.

Revvity Omics, Revvity
Classification: Pathogenic for Glycine encephalopathy 1. Last evaluated: 2022-01-11. Review status: criteria provided, single submitter. Criteria: ACMG Guidelines, 2015. Collection method: clinical testing. Allele origin: germline.

Blueprint Genetics
Classification: Pathogenic for GLDC-related disorders. Last evaluated: 2019-10-07. Review status: criteria provided, single submitter. Criteria: ACMG Guidelines, 2015. Collection method: clinical testing. Allele origin: germline. Affected: yes. Observed: 2 variant alleles.

UCLA Clinical Genomics Center, UCLA
Classification: Likely pathogenic for Non-ketotic hyperglycinemia. Last evaluated: 2013-01-29. Review status: criteria provided, single submitter. Criteria: Lee et al. (JAMA. 2014). Collection method: clinical testing. Allele origin: germline. Inheritance: Autosomal recessive inheritance. Affected: yes. Study: CES.

Literature cited by the submitters: PubMed 28244183 (cited by 4 submitters); PubMed 32421718 (cited by Dasa); PubMed 22206881 (cited by Labcorp Genetics (formerly Invitae), Labcorp); PubMed 27362913 (cited by Women's Health and Genetics/Laboratory Corporation of America, LabCorp); PubMed 25326637 (cited by Women's Health and Genetics/Laboratory Corporation of America, LabCorp).

NM_000170.3(GLDC):c.1742C>G (p.Pro581Arg)

Gene: GLDC (glycine decarboxylase; minus strand). Cytogenetic location: 9p24.1.
Variant type: single nucleotide variant.
Coding change: c.1742C>G on transcript NM_000170.3 (MANE Select); coding-DNA position 1742, C replaced by G.
Protein change: p.Pro581Arg; replaces proline 581 with arginine.
Molecular consequence: missense variant.
Genome position (GRCh38, 1-based): chr9:6,587,249, G>C on the plus strand (C>G on the coding strand, the complement: GLDC is on the minus strand). VCF-style: chr9-6587249-G-C. GRCh37 (hg19) VCF-style: chr9-6587249-G-C.
Other names: short protein forms P581R.
Identifiers: ClinVar variation 216936 (VCV000216936.18), dbSNP rs772871471, ClinGen allele CA277515.
Genomic context (GRCh38, chr9:6,587,249, plus strand): 5'-TCCTTCTCAAGCTCTCGGAAAAGCTGCTGATATCCTTGAGCTTGATCCAGAGGCACAAAG[G>C]GGTGGATGTTTGCAAATTCTTTCCATGTGATAGGCTGAAAAGAAAGAAAACAAAAATGCA-3'
Protein context (NP_000161.2, residues 571-591): ITWKEFANIH[Pro581Arg]FVPLDQAQGY